The following is an entry in ClinVar:

ClinVar aggregate classification (germline): Uncertain significance. Review status: criteria provided, single submitter (1 of 4 stars). 2 submissions from 2 submitters: Uncertain significance (1). 1 of the submissions does not count toward it. Last evaluated 2023-12-20.

Conditions:
X-linked Opitz G/BBB syndrome (GBBB). Also called: MID1-Related Opitz G/BBB Syndrome; Opitz-Frias syndrome; OPITZ BBBG SYNDROME, TYPE I; OPITZ SYNDROME, X-LINKED; OPITZ-G SYNDROME, TYPE I. Identifiers: Orphanet 2745, MedGen C2936904, MONDO:0010222, OMIM 300000.

Submissions (2):

Labcorp Genetics (formerly Invitae), Labcorp
Classification: Uncertain significance. Last evaluated: 2023-12-20. Review status: criteria provided, single submitter. Criteria: Invitae Variant Classification Sherloc (09022015). Collection method: clinical testing. Allele origin: germline.
Comment: This variant, c.1601_1624dup, results in the insertion of 8 amino acid(s) of the MID1 protein (p.His541_Tyr542insLeuPheIleAspSerGlyArgHis), but otherwise preserves the integrity of the reading frame. This variant is not present in population databases (gnomAD no frequency). This variant has been observed in individual(s) with Opitz GBBB syndrome (PMID: 25304119). ClinVar contains an entry for this variant (Variation ID: 10806). In summary, the available evidence is currently insufficient to determine the role of this variant in disease. Therefore, it has been classified as a Variant of Uncertain Significance.

OMIM
Classification: Pathogenic for OPITZ SYNDROME, X-LINKED. Last evaluated: 1997-11-01. Review status: no assertion criteria provided. Collection method: literature only. Allele origin: germline. Not counted in ClinVar's aggregate classification.

Literature cited by the submitters: PubMed 25304119 (cited by Labcorp Genetics (formerly Invitae), Labcorp); PubMed 9354791 (cited by OMIM).

NM_000381.4(MID1):c.1601_1624dup (p.His541_Tyr542insLeuPheIleAspSerGlyArgHis)

Gene: MID1 (midline 1; minus strand). Cytogenetic location: Xp22.2.
Variant type: Duplication.
Coding change: c.1601_1624dup on transcript NM_000381.4 (MANE Select); coding-DNA positions 1601 to 1624, 24 bases duplicated (TGTTTATTGATAGTGGCCGGCATT).
Protein change: p.His541_Tyr542insLeuPheIleAspSerGlyArgHis.
Molecular consequence: inframe insertion.
Genome position (GRCh38, 1-based): chrX:10,454,901-10,454,924, AATGCCGGCCACTATCAATAAACA duplicated on the plus strand (TGTTTATTGATAGTGGCCGGCATT on the coding strand, the reverse complement: MID1 is on the minus strand). VCF-style (leftmost placement, unchanged base first): chrX-10454900-T-TAATGCCGGCCACTATCAATAAACA. GRCh37 (hg19) VCF-style: chrX-10422940-T-TAATGCCGGCCACTATCAATAAACA.
Other names: c.1601_1624dup, p.His541_Tyr542insLeuPheIleAspSerGlyArgHis (NM_001098624.2, NM_001193277.1, NM_001347733.2 and 1 more transcripts); c.1487_1510dup, p.His503_Tyr504insLeuPheIleAspSerGlyArgHis (NM_033289.2).
Identifiers: ClinVar variation 10806 (VCV000010806.5), dbSNP rs2518968752, ClinGen allele CA2580100013.